The following is an entry in ClinVar:

ClinVar aggregate classification (germline): Benign (0 of 4 stars; one submission).

Conditions:
ANKFY1-related disorder. Also called: ANKFY1-related condition.

Allele frequency attached by ClinVar (database versions not stated): ESP Exome Variant Server 0.00024; gnomAD exomes 0.00106; gnomAD 0.00136; TOPMed 0.00170; ExAC 0.00273; 1000 Genomes Project 30x 0.00547; 1000 Genomes Project 0.00559.
gnomAD v4.1: 1,839 of 1,612,190 alleles (0.11%); highest among the groups gnomAD compares: East Asian, 2.7%; 24 homozygotes.

Submission:

PreventionGenetics, part of Exact Sciences
Classification: Benign for ANKFY1-related condition. Last evaluated: 2020-08-25. Review status: no assertion criteria provided. Collection method: clinical testing. Allele origin: germline.
Comment: This variant is classified as benign based on ACMG/AMP sequence variant interpretation guidelines (Richards et al. 2015 PMID: 25741868, with internal and published modifications).

NM_001330063.2(ANKFY1):c.1809G>A (p.Thr603=)

Gene: ANKFY1 (ankyrin repeat and FYVE domain containing 1; minus strand). Cytogenetic location: 17p13.2.
Variant type: single nucleotide variant.
Coding change: c.1809G>A on transcript NM_001330063.2 (MANE Select); coding-DNA position 1809, G replaced by A.
Protein change: p.Thr603=; no amino-acid change (threonine 603 retained).
Molecular consequence: synonymous variant. On other transcripts: non-coding transcript variant (1).
Genome position (GRCh38, 1-based): chr17:4,183,541, C>T on the plus strand (G>A on the coding strand, the complement: ANKFY1 is on the minus strand). VCF-style: chr17-4183541-C-T. GRCh37 (hg19) VCF-style: chr17-4086836-C-T.
Other names: c.1935G>A, p.Thr645= (NM_001257999.3); c.1809G>A, p.Thr603= (NM_016376.5).
Identifiers: ClinVar variation 3042059 (VCV003042059.2), dbSNP rs148356795, ClinGen allele CA8301318.